The following is an entry in ClinVar:

ClinVar aggregate classification (germline): Uncertain significance. Review status: criteria provided, multiple submitters, no conflicts (2 of 4 stars). 3 submissions from 3 submitters: Uncertain significance (3). Last evaluated 2024-10-29.

Conditions:
Inborn genetic diseases. Identifiers: MedGen C0950123, MeSH D030342.

Allele frequency attached by ClinVar (database versions not stated): gnomAD 0.00001; gnomAD exomes 0.00001; TOPMed 0.00001; ExAC 0.00002.
gnomAD v4.1: 22 of 1,613,916 alleles (0.0014%); highest among the groups gnomAD compares: Non-Finnish European, 0.0018%; no homozygotes.

Submissions (3):

Ambry Genetics
Classification: Uncertain significance for Inborn genetic diseases. Last evaluated: 2024-10-29. Review status: criteria provided, single submitter. Criteria: Ambry Variant Classification Scheme 2023. Collection method: clinical testing. Allele origin: germline.

GeneDx
Classification: Uncertain significance. Last evaluated: 2023-05-18. Review status: criteria provided, single submitter. Criteria: GeneDx Variant Classification Process June 2021. Collection method: clinical testing. Allele origin: germline. Affected: yes.
Comment: Not observed at significant frequency in large population cohorts (gnomAD); In silico analysis supports that this missense variant does not alter protein structure/function; Has not been previously published as pathogenic or benign to our knowledge

Labcorp Genetics (formerly Invitae), Labcorp
Classification: Uncertain significance. Last evaluated: 2022-10-04. Review status: criteria provided, single submitter. Criteria: Invitae Variant Classification Sherloc (09022015). Collection method: clinical testing. Allele origin: germline.
Comment: In summary, the available evidence is currently insufficient to determine the role of this variant in disease. Therefore, it has been classified as a Variant of Uncertain Significance. Advanced modeling of protein sequence and biophysical properties (such as structural, functional, and spatial information, amino acid conservation, physicochemical variation, residue mobility, and thermodynamic stability) performed at Invitae indicates that this missense variant is not expected to disrupt ENPP1 protein function. This variant has not been reported in the literature in individuals affected with ENPP1-related conditions. This variant is present in population databases (rs767248575, gnomAD 0.002%). This sequence change replaces isoleucine, which is neutral and non-polar, with methionine, which is neutral and non-polar, at codon 825 of the ENPP1 protein (p.Ile825Met).

NM_006208.3(ENPP1):c.2475T>G (p.Ile825Met)

Gene: ENPP1 (ectonucleotide pyrophosphatase/phosphodiesterase 1; plus strand). Cytogenetic location: 6q23.2.
Variant type: single nucleotide variant.
Coding change: c.2475T>G on transcript NM_006208.3 (MANE Select); coding-DNA position 2475, T replaced by G.
Protein change: p.Ile825Met; replaces isoleucine 825 with methionine.
Molecular consequence: missense variant.
Genome position (GRCh38, 1-based): chr6:131,886,592, T>G. VCF-style: chr6-131886592-T-G. GRCh37 (hg19) VCF-style: chr6-132207732-T-G.
Other names: c.2475T>G (NM_006208.2); short protein forms I825M.
Identifiers: ClinVar variation 1989905 (VCV001989905.6), dbSNP rs767248575, ClinGen allele CA4002550.
Genomic context (GRCh38, chr6:131,886,592, plus strand): 5'-TCTTAAAATGAATATTGGCATGTTTTACAGAAAAAGAAGAGTCATCCGTAACCAAGAAAT[T>G]TTGATTCCAACTCACTTCTTTATTGTGCTAACAAGCTGTAAAGATACATCTCAGACGCCT-3'
Protein context (NP_006199.2, residues 815-835): QKRRVIRNQE[Ile825Met]LIPTHFFIVL